The following is an entry in ClinVar:

ClinVar aggregate classification (germline): Conflicting classifications of pathogenicity. Review status: criteria provided, conflicting classifications (1 of 4 stars). 5 submissions from 5 submitters: Uncertain significance (3); Likely benign (2). Last evaluated 2025-12-12.

Conditions:
Hereditary cancer-predisposing syndrome. Also called: Neoplastic Syndromes, Hereditary; Hereditary Cancer Syndrome; Hereditary neoplastic syndrome; Tumor predisposition. Identifiers: Orphanet 140162, MedGen C0027672, MeSH D009386, MONDO:0015356.
Hereditary nonpolyposis colorectal neoplasms. Identifiers: MedGen C0009405, MeSH D003123.
Lynch syndrome. Identifiers: Orphanet 144, MedGen C4552100, MONDO:0005835. Disease mechanism: loss of function.
Lynch syndrome 5 (LYNCH5). Also called: Colorectal cancer, hereditary nonpolyposis, type 5; Hereditary non-polyposis colorectal cancer, type 5. Identifiers: Orphanet 144, MedGen C1833477, MONDO:0013710, OMIM 614350. Disease mechanism: loss of function.

Allele frequency attached by ClinVar (database versions not stated): gnomAD exomes below 0.00001; TOPMed below 0.00001.

Submissions (5):

Ambry Genetics
Classification: Uncertain significance for Hereditary cancer-predisposing syndrome. Last evaluated: 2025-12-12. Review status: criteria provided, single submitter. Criteria: Ambry Variant Classification Scheme 2023. Collection method: clinical testing. Allele origin: germline.
Comment: The c.260+4G>A intronic variant results from a G to A substitution 4 nucleotides after coding exon 1 in the MSH6 gene. This nucleotide position is well conserved in available vertebrate species. In silico splice site analysis predicts that this alteration will not have any significant effect on splicing. Based on the available evidence, the clinical significance of this variant remains unclear.

Labcorp Genetics (formerly Invitae), Labcorp
Classification: Likely benign for Hereditary nonpolyposis colorectal neoplasms. Last evaluated: 2025-11-18. Review status: criteria provided, single submitter. Criteria: Invitae Variant Classification Sherloc (09022015). Collection method: clinical testing. Allele origin: germline.

Color Diagnostics, LLC DBA Color Health
Classification: Uncertain significance for Hereditary cancer-predisposing syndrome. Last evaluated: 2025-07-03. Review status: criteria provided, single submitter. Criteria: ACMG Guidelines, 2015. Collection method: clinical testing. Allele origin: germline.
Comment: This variant causes a G to A nucleotide substitution at the +4 position of intron 1 of the MSH6 gene. To our knowledge, functional studies have not been reported for this variant. Splice site prediction tools suggest that this variant may not have an impact on RNA splicing. This variant has not been reported in individuals affected with MSH6-related disorders in the literature. This variant has not been identified in the general population by the Genome Aggregation Database (gnomAD). The available evidence is insufficient to determine the role of this variant in disease conclusively. Therefore, this variant is classified as a Variant of Uncertain Significance.

Myriad Genetics, Inc.
Classification: Likely benign for Lynch syndrome 5. Last evaluated: 2024-12-17. Review status: criteria provided, single submitter. Criteria: Myriad Autosomal Dominant, Autosomal Recessive and X-Linked Classification Criteria (2023). Collection method: clinical testing. Allele origin: unknown.
Comment: This variant is considered likely benign. This variant is intronic and is not expected to impact mRNA splicing.

All of Us Research Program, National Institutes of Health
Classification: Uncertain significance for Lynch syndrome. Last evaluated: 2023-08-15. Review status: criteria provided, single submitter. Criteria: ACMG Guidelines, 2015. Collection method: clinical testing. Allele origin: germline. Inheritance: Autosomal dominant inheritance. Observed: 1 variant allele, 1 heterozygote.
Comment: This variant causes a G to A nucleotide substitution at the +4 position of intron 1 of the MSH6 gene. To our knowledge, functional studies have not been reported for this variant. Splice site prediction tools suggest that this variant may not have an impact on RNA splicing. This variant has not been reported in individuals affected with MSH6-related disorders in the literature. This variant has not been identified in the general population by the Genome Aggregation Database (gnomAD). The available evidence is insufficient to determine the role of this variant in disease conclusively. Therefore, this variant is classified as a Variant of Uncertain Significance.

This study involves interpretation of variants in research participants for the purpose of population health screening. Participant phenotype was not available at the time of variant classification. Additional details can be found in publication PMID: 35346344, PMCID: PMC8962531

NM_000179.3(MSH6):c.260+4G>A

Genes: MSH6 (mutS homolog 6; plus strand), LOC129933707 (ATAC-STARR-seq lymphoblastoid silent region 11468; plus strand). Cytogenetic location: 2p16.3.
Variant type: single nucleotide variant.
Coding change: c.260+4G>A on transcript NM_000179.3 (MANE Select); 4 bases into the intron after coding-DNA position 260, G replaced by A.
Molecular consequence: intron variant.
Genome position (GRCh38, 1-based): chr2:47,783,497, G>A. VCF-style: chr2-47783497-G-A. GRCh37 (hg19) VCF-style: chr2-48010636-G-A.
Other names: c.-477+4G>A (NM_001281493.2); c.237+27G>A (NM_001281492.2).
Identifiers: ClinVar variation 934212 (VCV000934212.16), dbSNP rs1389301978, ClinGen allele CA1139655634.